The following is an entry in ClinVar:

ClinVar aggregate classification (germline): Uncertain significance. Review status: criteria provided, multiple submitters, no conflicts (2 of 4 stars). 2 submissions from 2 submitters: Uncertain significance (2). Last evaluated 2025-11-03.

Conditions:
Ectodermal dysplasia and immunodeficiency 2. Identifiers: Orphanet 238468, Orphanet 98813, MedGen C2677481, MONDO:0012806, OMIM 612132.

Allele frequency attached by ClinVar (database versions not stated): TOPMed below 0.00001; gnomAD 0.00001; gnomAD exomes 0.00003; ExAC 0.00005; 1000 Genomes Project 30x 0.00016; 1000 Genomes Project 0.00020.
gnomAD v4.1: 12 of 1,614,124 alleles (0.00074%); highest among the groups gnomAD compares: South Asian, 0.0066%; no homozygotes.

Submissions (2):

Labcorp Genetics (formerly Invitae), Labcorp
Classification: Uncertain significance for Ectodermal dysplasia and immunodeficiency 2. Last evaluated: 2025-11-03. Review status: criteria provided, single submitter. Criteria: Invitae Variant Classification Sherloc (09022015). Collection method: clinical testing. Allele origin: germline.
Comment: This sequence change replaces threonine, which is neutral and polar, with methionine, which is neutral and non-polar, at codon 296 of the NFKBIA protein (p.Thr296Met). This variant is present in population databases (rs201191831, gnomAD 0.02%). This variant has not been reported in the literature in individuals affected with NFKBIA-related conditions. ClinVar contains an entry for this variant (Variation ID: 1448965). An algorithm developed to predict the effect of missense changes on protein structure and function (PolyPhen-2) suggests that this variant is likely to be disruptive. In summary, the available evidence is currently insufficient to determine the role of this variant in disease. Therefore, it has been classified as a Variant of Uncertain Significance.

Center for Genomics, Ann and Robert H. Lurie Children's Hospital of Chicago
Classification: Uncertain significance for Ectodermal dysplasia and immunodeficiency 2. Last evaluated: 2021-03-30. Review status: criteria provided, single submitter. Criteria: ACMG Guidelines, 2015. Collection method: clinical testing. Allele origin: germline.
Comment: NFKBIA NM_020529.2 exon 5 p.Thr296Met (c.887C>T): This variant has not been reported in the literature but is present in 0.01% (1/5196) of East Asian alleles in the Genome Aggregation Database. Evolutionary conservation and computational predictive tools for this variant are unclear. In summary, data on this variant is insufficient for disease classification. Therefore, the clinical significance of this variant is uncertain.

NM_020529.3(NFKBIA):c.887C>T (p.Thr296Met)

Gene: NFKBIA (NFKB inhibitor alpha; minus strand). Cytogenetic location: 14q13.2.
Variant type: single nucleotide variant.
Coding change: c.887C>T on transcript NM_020529.3 (MANE Select); coding-DNA position 887, C replaced by T.
Protein change: p.Thr296Met; replaces threonine 296 with methionine.
Molecular consequence: missense variant.
Genome position (GRCh38, 1-based): chr14:35,402,413, G>A on the plus strand (C>T on the coding strand, the complement: NFKBIA is on the minus strand). VCF-style: chr14-35402413-G-A. GRCh37 (hg19) VCF-style: chr14-35871619-G-A.
Other names: short protein forms T296M.
Identifiers: ClinVar variation 1448965 (VCV001448965.9), dbSNP rs201191831, ClinGen allele CA7155344.